The following is an entry in ClinVar:

ClinVar aggregate classification (germline): Uncertain significance. Review status: criteria provided, multiple submitters, no conflicts (2 of 4 stars). 2 submissions from 2 submitters: Uncertain significance (2). Last evaluated 2025-02-07.

Conditions:
Autoimmune lymphoproliferative syndrome type 2A (ALPS2A). Also called: AUTOIMMUNE LYMPHOPROLIFERATIVE SYNDROME, TYPE IIA; CASP10-Related Autoimmune Lymphoproliferative Syndrome; Autoimmune lymphoproliferative syndrome type 2. Identifiers: Orphanet 3261, MedGen C1858968, MONDO:0011383, OMIM 603909.

gnomAD v4.1: 3 of 1,613,384 alleles (0.00019%); highest among the groups gnomAD compares: Non-Finnish European, 0.00025%; no homozygotes.

Submissions (2):

Labcorp Genetics (formerly Invitae), Labcorp
Classification: Uncertain significance for Autoimmune lymphoproliferative syndrome type 2A. Last evaluated: 2025-02-07. Review status: criteria provided, single submitter. Criteria: Invitae Variant Classification Sherloc (09022015). Collection method: clinical testing. Allele origin: germline.
Comment: This sequence change replaces serine, which is neutral and polar, with phenylalanine, which is neutral and non-polar, at codon 253 of the CASP10 protein (p.Ser253Phe). This variant is not present in population databases (gnomAD no frequency). This variant has not been reported in the literature in individuals affected with CASP10-related conditions. Invitae Evidence Modeling of protein sequence and biophysical properties (such as structural, functional, and spatial information, amino acid conservation, physicochemical variation, residue mobility, and thermodynamic stability) indicates that this missense variant is not expected to disrupt CASP10 protein function with a negative predictive value of 80%. In summary, the available evidence is currently insufficient to determine the role of this variant in disease. Therefore, it has been classified as a Variant of Uncertain Significance.

Blueprint Genetics
Classification: Uncertain significance. Last evaluated: 2020-05-06. Review status: criteria provided, single submitter. Criteria: ACMG Guidelines, 2015. Collection method: clinical testing. Allele origin: germline.

NM_032977.4(CASP10):c.758C>T (p.Ser253Phe)

Gene: CASP10 (caspase 10; plus strand). Cytogenetic location: 2q33.1.
Variant type: single nucleotide variant.
Coding change: c.758C>T on transcript NM_032977.4 (MANE Select); coding-DNA position 758, C replaced by T.
Protein change: p.Ser253Phe; replaces serine 253 with phenylalanine.
Molecular consequence: missense variant. On other transcripts: intron variant (4).
Genome position (GRCh38, 1-based): chr2:201,205,918, C>T. VCF-style: chr2-201205918-C-T. GRCh37 (hg19) VCF-style: chr2-202070641-C-T.
Other names: c.758C>T, p.Ser253Phe (NM_032974.5); c.685-2157C>T (NM_001206542.2, NM_001230.5); c.721+2152C>T (NM_032976.4, NM_001206524.2); short protein forms S253F.
Identifiers: ClinVar variation 4782733 (VCV004782733.2).
Genomic context (GRCh38, chr2:201,205,918, plus strand): 5'-GAGTCTGAGTACCTCTCTTTCTAGGTAACAGAGCCACAAATGGTGCACCAAGCCTGGTCT[C>T]CAGGGGGATGCAAGGAGCATCTGCTAACACTCTAAACTCTGAAACCAGCACAAAGGTCTG-3'
Protein context (NP_116759.2, residues 243-263): RATNGAPSLV[Ser253Phe]RGMQGASANT